The following is an entry in ClinVar:

ClinVar aggregate classification (germline): Uncertain significance (1 of 4 stars; one submission).

Submission:

Labcorp Genetics (formerly Invitae), Labcorp
Classification: Uncertain significance. Last evaluated: 2024-09-23. Review status: criteria provided, single submitter. Criteria: Invitae Variant Classification Sherloc (09022015). Collection method: clinical testing. Allele origin: germline.
Comment: This sequence change replaces proline, which is neutral and non-polar, with arginine, which is basic and polar, at codon 837 of the CACNA1D protein (p.Pro837Arg). This variant is not present in population databases (gnomAD no frequency). This variant has not been reported in the literature in individuals affected with CACNA1D-related conditions. Invitae Evidence Modeling of protein sequence and biophysical properties (such as structural, functional, and spatial information, amino acid conservation, physicochemical variation, residue mobility, and thermodynamic stability) indicates that this missense variant is not expected to disrupt CACNA1D protein function with a negative predictive value of 80%. In summary, the available evidence is currently insufficient to determine the role of this variant in disease. Therefore, it has been classified as a Variant of Uncertain Significance.

NM_001128840.3(CACNA1D):c.2450C>G (p.Pro817Arg)

Gene: CACNA1D (calcium voltage-gated channel subunit alpha1 D; plus strand). Cytogenetic location: 3p21.1.
Variant type: single nucleotide variant.
Coding change: c.2450C>G on transcript NM_001128840.3 (MANE Select); coding-DNA position 2450, C replaced by G.
Protein change: p.Pro817Arg; replaces proline 817 with arginine.
Molecular consequence: missense variant.
Genome position (GRCh38, 1-based): chr3:53,732,059, C>G. VCF-style: chr3-53732059-C-G. GRCh37 (hg19) VCF-style: chr3-53766086-C-G.
Other names: c.2510C>G, p.Pro837Arg (NM_000720.4); c.2450C>G, p.Pro817Arg (NM_001128839.3); short protein forms P837R, P817R.
Identifiers: ClinVar variation 3730103 (VCV003730103.2).